The following is an entry in ClinVar:

ClinVar aggregate classification (germline): Pathogenic (1 of 4 stars; one submission).

Conditions:
Mucolipidosis type II. Also called: ML II ALPHA/BETA; Mucolipidosis 2; ML 2; Inclusion cell disease; Leroy Disease; N-acetylglucosamine 1phosphotransferase deficiency. Identifiers: Orphanet 576, MedGen C2673377, MONDO:0009650, OMIM 252500.
Pseudo-Hurler polydystrophy. Also called: ML III; ML III ALPHA/BETA; Type III Mucolipidosis; ML IIIA; Mucolipidosis III Alpha/Beta; MUCOLIPIDOSIS IIIA. Identifiers: Orphanet 423461, Orphanet 577, MedGen C0033788, MONDO:0018931, OMIM 252600.

Allele frequency attached by ClinVar (database versions not stated): gnomAD exomes below 0.00001.

Submission:

Labcorp Genetics (formerly Invitae), Labcorp
Classification: Pathogenic for Pseudo-Hurler polydystrophy; Mucolipidosis type II. Last evaluated: 2023-09-12. Review status: criteria provided, single submitter. Criteria: Invitae Variant Classification Sherloc (09022015). Collection method: clinical testing. Allele origin: germline.
Comment: This sequence change creates a premature translational stop signal (p.Ala1034Glyfs*31) in the GNPTAB gene. It is expected to result in an absent or disrupted protein product. Loss-of-function variants in GNPTAB are known to be pathogenic (PMID: 19617216, 25107912). This variant is not present in population databases (gnomAD no frequency). This variant has not been reported in the literature in individuals affected with GNPTAB-related conditions. For these reasons, this variant has been classified as Pathogenic.

Literature cited by the submitters: PubMed 19617216; PubMed 25107912.

NM_024312.5(GNPTAB):c.3098dup (p.Ala1034fs)

Gene: GNPTAB (N-acetylglucosamine-1-phosphate transferase subunits alpha and beta; minus strand). Cytogenetic location: 12q23.2.
Variant type: Duplication.
Coding change: c.3098dup on transcript NM_024312.5 (MANE Select); coding-DNA position 3098, one base duplicated (T; older notation c.3098dupT).
Protein change: p.Ala1034fs; shifts the reading frame from alanine 1034.
Molecular consequence: frameshift variant.
Genome position (GRCh38, 1-based): chr12:101,761,164, A duplicated on the plus strand (T on the coding strand, the reverse complement: GNPTAB is on the minus strand). VCF-style (leftmost placement, unchanged base first): chr12-101761163-C-CA. GRCh37 (hg19) VCF-style: chr12-102154941-C-CA.
Other names: short protein forms A1034fs.
Identifiers: ClinVar variation 2951879 (VCV002951879.3), dbSNP rs2547954219, ClinGen allele CA2620428673.